The following is an entry in ClinVar:

NM_000548.5(TSC2):c.1361+16T>G

Gene: TSC2 (TSC complex subunit 2; plus strand). Cytogenetic location: 16p13.3.
Variant type: single nucleotide variant.
Coding change: c.1361+16T>G on transcript NM_000548.5 (MANE Select); 16 bases into the intron after coding-DNA position 1361, T replaced by G.
Molecular consequence: intron variant.
Genome position (GRCh38, 1-based): chr16:2,062,616, T>G. VCF-style: chr16-2062616-T-G. GRCh37 (hg19) VCF-style: chr16-2112617-T-G.
Other names: c.1361+16T>G (NM_001114382.3, NM_021055.3, NM_001370405.1 and 4 more transcripts); c.1250+16T>G (NM_001318827.2); c.761+16T>G (NM_001318831.2); c.1214+16T>G (NM_001318829.2); c.1394+16T>G (NM_001318832.2).
Identifiers: ClinVar variation 137737 (VCV000137737.24), dbSNP rs45502491, ClinGen allele CA014499.

ClinVar aggregate classification (germline): Benign/Likely benign. Review status: criteria provided, multiple submitters, no conflicts (2 of 4 stars). 6 submissions from 6 submitters: Benign (5); Likely benign (1). Last evaluated 2026-02-04.

Conditions:
Tuberous sclerosis 2 (TSC2). Identifiers: Orphanet 805, MedGen C1860707, MONDO:0013199, OMIM 613254.

Allele frequency attached by ClinVar (database versions not stated): ExAC 0.00169; 1000 Genomes Project 0.00379; gnomAD 0.00437 and 0.00476; 1000 Genomes Project 30x 0.00500; TOPMed 0.00510; ESP Exome Variant Server 0.00570.
gnomAD v4.1: 1,186 of 1,592,826 alleles (0.074%); highest among the groups gnomAD compares: African/African-American, 1.5%; 7 homozygotes.

Submissions (6):

Labcorp Genetics (formerly Invitae), Labcorp
Classification: Benign for Tuberous sclerosis 2. Last evaluated: 2026-02-04. Review status: criteria provided, single submitter. Criteria: Invitae Variant Classification Sherloc (09022015). Collection method: clinical testing. Allele origin: germline.

Blueprint Genetics
Classification: Likely benign. Last evaluated: 2024-10-11. Review status: criteria provided, single submitter. Criteria: ACMG Guidelines, 2015. Collection method: clinical testing. Allele origin: germline.

ARUP Laboratories, Molecular Genetics and Genomics, ARUP Laboratories
Classification: Benign. Last evaluated: 2024-02-28. Review status: criteria provided, single submitter. Criteria: ARUP Molecular Germline Variant Investigation Process 2024. Collection method: clinical testing. Allele origin: germline.

KCCC/NGS Laboratory, Kuwait Cancer Control Center
Classification: Benign for Tuberous sclerosis 2. Last evaluated: 2023-07-07. Review status: criteria provided, single submitter. Criteria: ACMG Guidelines, 2015. Collection method: clinical testing. Allele origin: germline. Affected: yes.

Genome-Nilou Lab
Classification: Benign for Tuberous sclerosis 2. Last evaluated: 2021-11-07. Review status: criteria provided, single submitter. Criteria: ACMG Guidelines, 2015. Collection method: clinical testing. Allele origin: germline. Affected: no.

GeneDx
Classification: Benign. Last evaluated: 2013-02-12. Review status: criteria provided, single submitter. Criteria: GeneDx Variant Classification (06012015). Collection method: clinical testing. Allele origin: germline. Affected: yes.
Comment: This variant is considered likely benign or benign based on one or more of the following criteria: it is a conservative change, it occurs at a poorly conserved position in the protein, it is predicted to be benign by multiple in silico algorithms, and/or has population frequency not consistent with disease.